The following is an entry in ClinVar:

ClinVar aggregate classification (germline): Likely benign (0 of 4 stars; one submission).

Conditions:
NECTIN2-related disorder. Also called: NECTIN2-related condition.

Allele frequency attached by ClinVar (database versions not stated): gnomAD exomes 0.00018; ExAC 0.00055; 1000 Genomes Project 0.00080; 1000 Genomes Project 30x 0.00094; gnomAD 0.00182; ESP Exome Variant Server 0.00192; TOPMed 0.00210.
gnomAD v4.1: 544 of 1,614,162 alleles (0.034%); highest among the groups gnomAD compares: African/African-American, 0.61%; 1 homozygote.

Submission:

PreventionGenetics, part of Exact Sciences
Classification: Likely benign for NECTIN2-related condition. Last evaluated: 2022-05-06. Review status: no assertion criteria provided. Collection method: clinical testing. Allele origin: germline.
Comment: This variant is classified as likely benign based on ACMG/AMP sequence variant interpretation guidelines (Richards et al. 2015 PMID: 25741868, with internal and published modifications).

NM_001042724.2(NECTIN2):c.664C>T (p.Arg222Cys)

Gene: NECTIN2 (nectin cell adhesion molecule 2; plus strand). Cytogenetic location: 19q13.32.
Variant type: single nucleotide variant.
Coding change: c.664C>T on transcript NM_001042724.2 (MANE Select); coding-DNA position 664, C replaced by T.
Protein change: p.Arg222Cys; replaces arginine 222 with cysteine.
Molecular consequence: missense variant.
Genome position (GRCh38, 1-based): chr19:44,872,038, C>T. VCF-style: chr19-44872038-C-T. GRCh37 (hg19) VCF-style: chr19-45375295-C-T.
Other names: c.664C>T, p.Arg222Cys (NM_002856.3); short protein forms R222C.
Identifiers: ClinVar variation 3038754 (VCV003038754.2), dbSNP rs148321526, ClinGen allele CA9505153.
Genomic context (GRCh38, chr19:44,872,038, plus strand): 5'-TGGGAAGCCAAAGAGACTCAGGTGTCAGGGACCCTGGCCGGAACTGTCACTGTCACCAGC[C>T]GCTTCACCTTGGTGCCCTCGGGCCGAGCAGATGGTGTCACGGTCACCTGCAAAGTGGAGC-3'
Protein context (NP_001036189.1, residues 212-232): TLAGTVTVTS[Arg222Cys]FTLVPSGRAD